The following is an entry in ClinVar:

ClinVar aggregate classification (germline): Conflicting classifications of pathogenicity. Review status: criteria provided, conflicting classifications (1 of 4 stars). 6 submissions from 4 submitters: Uncertain significance (3); Likely benign (3). Last evaluated 2025-12-02.

Conditions:
RYR1-related disorder. Also called: RYR1-related condition; RYR1-related disorders. Identifiers: MedGen CN239331.
Malignant hyperthermia, susceptibility to, 1 (MHS1). Also called: Anesthesia related hyperthermia; Malignant hyperpyrexia; Fulminating hyperpyrexia; Pharmacogenic myopathy; Malignant hyperthermia suceptibility 1; RYR1-Related Malignant Hyperthermia Susceptibility. Identifiers: Orphanet 423, MedGen C2930980, MONDO:0007783, OMIM 145600.
Congenital multicore myopathy with external ophthalmoplegia (CMYO1B). Also called: Minicore myopathy with external ophthalmoplegia; MULTICORE MYOPATHY; Congenital myopathy 1B, autosomal recessive; Minicore myopathy; MULTIMINICORE DISEASE WITH EXTERNAL OPHTHALMOPLEGIA. Identifiers: Orphanet 598, Orphanet 98905, MedGen C1850674, MONDO:0009712, OMIM 255320, HP:0003789.
Central core myopathy (CMYO1A). Also called: Central core disease; Myopathy, central fibrillar; CONGENITAL MYOPATHY 1A, AUTOSOMAL DOMINANT, WITH SUSCEPTIBILITY TO MALIGNANT HYPERTHERMIA. Identifiers: Orphanet 597, MedGen C5830701, MONDO:0007294, OMIM 117000.

Allele frequency attached by ClinVar (database versions not stated): gnomAD 0.00001 and 0.00002; TOPMed 0.00002.
gnomAD v4.1: 37 of 1,613,946 alleles (0.0023%); highest among the groups gnomAD compares: Non-Finnish European, 0.0029%; no homozygotes.

Submissions (6):

Labcorp Genetics (formerly Invitae), Labcorp
Classification: Likely benign for RYR1-related disorder. Last evaluated: 2025-12-02. Review status: criteria provided, single submitter. Criteria: Invitae Variant Classification Sherloc (09022015). Collection method: clinical testing. Allele origin: germline.

All of Us Research Program, National Institutes of Health
Classification: Likely benign for Malignant hyperthermia, susceptibility to, 1. Last evaluated: 2023-12-13. Review status: criteria provided, single submitter. Criteria: ACMG Guidelines, 2015. Collection method: clinical testing. Allele origin: germline. Inheritance: Autosomal dominant inheritance. Observed: 5 variant alleles, 5 heterozygotes.
Comment: This study involves interpretation of variants in research participants for the purpose of population health screening. Participant phenotype was not available at the time of variant classification. Additional details can be found in publication PMID: 35346344, PMCID: PMC8962531

Color Diagnostics, LLC DBA Color Health
Classification: Likely benign for Malignant hyperthermia, susceptibility to, 1. Last evaluated: 2022-11-06. Review status: criteria provided, single submitter. Criteria: ACMG Guidelines, 2015. Collection method: clinical testing. Allele origin: germline.

Illumina Laboratory Services, Illumina
Classification: Uncertain significance for Central core myopathy. Last evaluated: 2017-04-28. Review status: criteria provided, single submitter. Criteria: ICSL Variant Classification Criteria 13 December 2019. Collection method: clinical testing. Allele origin: germline.

Illumina Laboratory Services, Illumina
Classification: Uncertain significance for Malignant hyperthermia, susceptibility to, 1. Last evaluated: 2017-04-28. Review status: criteria provided, single submitter. Criteria: ICSL Variant Classification Criteria 13 December 2019. Collection method: clinical testing. Allele origin: germline.

Illumina Laboratory Services, Illumina
Classification: Uncertain significance for Congenital multicore myopathy with external ophthalmoplegia. Last evaluated: 2017-04-28. Review status: criteria provided, single submitter. Criteria: ICSL Variant Classification Criteria 13 December 2019. Collection method: clinical testing. Allele origin: germline.

NM_000540.3(RYR1):c.14697G>A (p.Gly4899=)

Gene: RYR1 (ryanodine receptor 1; plus strand). Cytogenetic location: 19q13.2.
Variant type: single nucleotide variant.
Coding change: c.14697G>A on transcript NM_000540.3 (MANE Select); coding-DNA position 14697, G replaced by A.
Protein change: p.Gly4899=; no amino-acid change (glycine 4899 retained).
Molecular consequence: synonymous variant.
Genome position (GRCh38, 1-based): chr19:38,584,993, G>A. VCF-style: chr19-38584993-G-A. GRCh37 (hg19) VCF-style: chr19-39075633-G-A.
Other names: c.14682G>A, p.Gly4894= (NM_001042723.2).
Identifiers: ClinVar variation 478198 (VCV000478198.16), dbSNP rs770698609, ClinGen allele CA061519.